The following is an entry in ClinVar:

NM_020297.4(ABCC9):c.1084_1085del (p.Leu362fs)

Gene: ABCC9 (ATP binding cassette subfamily C member 9; minus strand). Cytogenetic location: 12p12.1.
Variant type: Microsatellite.
Coding change: c.1084_1085del on transcript NM_020297.4 (MANE Select); coding-DNA positions 1084 to 1085, 2 bases deleted (CT; older notation c.1084_1085delCT).
Protein change: p.Leu362fs; shifts the reading frame from leucine 362.
Molecular consequence: frameshift variant.
Genome position (GRCh38, 1-based): chr12:21,910,905-21,910,906, AG deleted on the plus strand (CT on the coding strand, the reverse complement: ABCC9 is on the minus strand); deleting any 2 consecutive bases within chr12:21,910,905-21,910,908 gives the same sequence; the c. name uses the placement nearest the transcript's 3' end. VCF-style (leftmost placement, unchanged base first): chr12-21910904-AAG-A. GRCh37 (hg19) VCF-style: chr12-22063838-AAG-A.
Other names: c.1084_1085del, p.Leu362fs (NM_001377273.1, NM_005691.4); c.220_221del, p.Leu74fs (NM_001377274.1); short protein forms L362fs, L74fs.
Identifiers: ClinVar variation 4804857 (VCV004804857.2).

ClinVar aggregate classification (germline): Conflicting classifications of pathogenicity. Review status: criteria provided, conflicting classifications (1 of 4 stars). 2 submissions from 2 submitters: Pathogenic (1); Uncertain significance (1). Last evaluated 2025-06-22.

Conditions:
Dilated cardiomyopathy 1O (CMD1O). Also called: CARDIOMYOPATHY, DILATED, WITH VENTRICULAR TACHYCARDIA. Identifiers: Orphanet 154, MedGen C1837839, MONDO:0012062, OMIM 608569.

Submissions (2):

Labcorp Genetics (formerly Invitae), Labcorp
Classification: Pathogenic for Dilated cardiomyopathy 1O. Last evaluated: 2025-06-22. Review status: criteria provided, single submitter. Criteria: Invitae Variant Classification Sherloc (09022015). Collection method: clinical testing. Allele origin: germline.
Comment: This sequence change creates a premature translational stop signal (p.Leu362Tyrfs*20) in the ABCC9 gene. It is expected to result in an absent or disrupted protein product. Loss-of-function variants in ABCC9 are known to be pathogenic (PMID: 31575858, 38217872). This variant is present in population databases (no rsID available, gnomAD 0.01%). This variant has not been reported in the literature in individuals affected with ABCC9-related conditions. For these reasons, this variant has been classified as Pathogenic.

Blueprint Genetics
Classification: Uncertain significance. Last evaluated: 2022-02-01. Review status: criteria provided, single submitter. Criteria: ACMG Guidelines, 2015. Collection method: clinical testing. Allele origin: germline.

Literature cited by the submitters: PubMed 31575858 (cited by Labcorp Genetics (formerly Invitae), Labcorp); PubMed 38217872 (cited by Labcorp Genetics (formerly Invitae), Labcorp).